The following is an entry in ClinVar:

NM_000169.3(GLA):c.385C>A (p.Leu129Met)

Genes: GLA (galactosidase alpha; minus strand), RPL36A-HNRNPH2 (RPL36A-HNRNPH2 readthrough; plus strand). Cytogenetic location: Xq22.1.
Variant type: single nucleotide variant.
Coding change: c.385C>A on transcript NM_000169.3 (MANE Select); coding-DNA position 385, C replaced by A.
Protein change: p.Leu129Met; replaces leucine 129 with methionine.
Molecular consequence: missense variant. On other transcripts: non-coding transcript variant (3), intron variant (2).
Genome position (GRCh38, 1-based): chrX:101,401,794, G>T on the plus strand (C>A on the coding strand, the complement: GLA is on the minus strand). VCF-style: chrX-101401794-G-T. GRCh37 (hg19) VCF-style: chrX-100656782-G-T.
Other names: c.508C>A, p.Leu170Met (NM_001406747.1, NM_001406749.1); c.385C>A, p.Leu129Met (NM_001406748.1); c.300+6337G>T (NM_001199973.2); c.177+9972G>T (NM_001199974.2); short protein forms L129M, L170M.
Identifiers: ClinVar variation 2844176 (VCV002844176.3), dbSNP rs2520897696, ClinGen allele CA413930772.

ClinVar aggregate classification (germline): Uncertain significance (1 of 4 stars; one submission).

Conditions:
Fabry disease. Also called: Fabry's disease; ALPHA-GALACTOSIDASE A DEFICIENCY; ANDERSON-FABRY DISEASE; CERAMIDE TRIHEXOSIDASE DEFICIENCY; GLA DEFICIENCY; HEREDITARY DYSTOPIC LIPIDOSIS. Identifiers: Orphanet 324, MedGen C0002986, MONDO:0010526, OMIM 301500, HP:0001071. Disease mechanism: Fabry disease is due to inactivating mutations in the X-linked GLA gene resulting in deficiency of the enzyme Alpha Galactosidase-A., loss of function.

Submission:

Labcorp Genetics (formerly Invitae), Labcorp
Classification: Uncertain significance for Fabry disease. Last evaluated: 2024-05-21. Review status: criteria provided, single submitter. Criteria: Invitae Variant Classification Sherloc (09022015). Collection method: clinical testing. Allele origin: germline.
Comment: This sequence change replaces leucine, which is neutral and non-polar, with methionine, which is neutral and non-polar, at codon 129 of the GLA protein (p.Leu129Met). This variant is not present in population databases (gnomAD no frequency). This variant has not been reported in the literature in individuals affected with GLA-related conditions. Advanced modeling of protein sequence and biophysical properties (such as structural, functional, and spatial information, amino acid conservation, physicochemical variation, residue mobility, and thermodynamic stability) performed at Invitae indicates that this missense variant is not expected to disrupt GLA protein function with a negative predictive value of 80%. In summary, the available evidence is currently insufficient to determine the role of this variant in disease. Therefore, it has been classified as a Variant of Uncertain Significance.